The following is an entry in ClinVar:

ClinVar aggregate classification (germline): Likely pathogenic (1 of 4 stars; one submission).

Conditions:
Hypohidrotic X-linked ectodermal dysplasia (XHED). Also called: ECTODERMAL DYSPLASIA 1; ECTODERMAL DYSPLASIA, HYPOHIDROTIC, 1; CST SYNDROME; Ectodermal Dysplasia 1, Anhidrotic; Anhidrotic ectodermal dysplasia X-linked; Christ Siemens Touraine syndrome. Identifiers: Orphanet 181, Orphanet 238468, MedGen C0162359, MONDO:0010585, OMIM 305100.

Submission:

Labcorp Genetics (formerly Invitae), Labcorp
Classification: Likely pathogenic for Hypohidrotic X-linked ectodermal dysplasia. Last evaluated: 2021-09-02. Review status: criteria provided, single submitter. Criteria: Invitae Variant Classification Sherloc (09022015). Collection method: clinical testing. Allele origin: germline.
Comment: In summary, the currently available evidence indicates that the variant is pathogenic, but additional data are needed to prove that conclusively. Therefore, this variant has been classified as Likely Pathogenic. This sequence change affects an acceptor splice site in intron 6 of the EDA gene. It is expected to disrupt RNA splicing. Variants that disrupt the donor or acceptor splice site typically lead to a loss of protein function (PMID: 16199547), and loss-of-function variants in EDA are known to be pathogenic (PMID: 9683615). This variant is not present in population databases (ExAC no frequency). This variant has not been reported in the literature in individuals affected with EDA-related conditions. Algorithms developed to predict the effect of sequence changes on RNA splicing suggest that this variant may disrupt the consensus splice site.

Literature cited by the submitters: PubMed 16199547; PubMed 9683615.

NM_001399.5(EDA):c.794-1G>A

Gene: EDA (ectodysplasin A; plus strand). Cytogenetic location: Xq13.1.
Variant type: single nucleotide variant.
Coding change: c.794-1G>A on transcript NM_001399.5 (MANE Select); the canonical splice acceptor site of the intron before coding-DNA position 794, G replaced by A.
Molecular consequence: splice acceptor variant. On other transcripts: intron variant (1).
Genome position (GRCh38, 1-based): chrX:70,033,397, G>A. VCF-style: chrX-70033397-G-A. GRCh37 (hg19) VCF-style: chrX-69253247-G-A.
Other names: c.794-1G>A (NM_001005609.2); c.794-10G>A (NM_001005612.3).
Identifiers: ClinVar variation 1485476 (VCV001485476.6), dbSNP rs2147516240, ClinGen allele CA413448752.